The following continues an entry in ClinVar:

NM_001256317.3(TMPRSS3):c.1273G>A (p.Ala425Thr)

Gene: TMPRSS3. ClinVar aggregate classification (germline): Pathogenic/Likely pathogenic. Pathogenic (18); Likely pathogenic (9).

Submissions 12 to 27 of 30:

Institute of Medical Genetics and Applied Genomics, University Hospital Tübingen
Classification: Pathogenic for Autosomal recessive nonsyndromic hearing loss 8. Last evaluated: 2023-12-01. Review status: criteria provided, single submitter. Criteria: ACMG Guidelines, 2015. Collection method: clinical testing. Allele origin: germline. Inheritance: Autosomal recessive inheritance. Affected: yes.

GeneDx
Classification: Pathogenic. Last evaluated: 2023-01-04. Review status: criteria provided, single submitter. Criteria: GeneDx Variant Classification Process June 2021. Collection method: clinical testing. Allele origin: germline. Affected: yes.
Comment: Published functional studies suggest a damaging effect as the variant showed significantly diminished colony formation in a protease assay compared to wild-type (Lee et al., 2003); In silico analysis supports that this missense variant has a deleterious effect on protein structure/function; This variant is associated with the following publications: (PMID: 21786053, 11907649, 24526180, 21534946, 28263784, 30487145, 31412945, 34426522, 31980526, 30242206, 33297549, 31589614, 34652575, 32860223, 34599368, 34997062, 34171171, 28566687, Ozieblo_2022_IJMS, 29196752, 12920079, 33879512, 35961784, 34868270, 35682719)

Genetics and Molecular Pathology, SA Pathology
Classification: Pathogenic for Autosomal recessive nonsyndromic hearing loss 8. Last evaluated: 2022-07-01. Review status: criteria provided, single submitter. Criteria: ACMG Guidelines, 2015. Collection method: clinical testing. Allele origin: germline. Inheritance: Autosomal recessive inheritance. Affected: yes.
Comment: The TMPRSS3 c.1273G>A variant is classified as PATHOGENIC (PS3, PS4, PM3, PP1_moderate) The TMPRSS3 c.1273G>A variant is a single nucleotide change in exon 12/13 of the TMPRSS3 gene, which is predicted to change the amino acid alanine at position 425 in the protein to threonine. The variant has been reported in multiple individuals with a clinical presentation of Deafness, autosomal recessive 8/10 (MIM:601072) (PMID:21786053; PMID:31412945; PMID:28566687) (PS4). Published studies have shown this variant to co-segregate with disease in multiple families (PMID:21786053; PMID:31412945; PMID:28566687) (PP1_moderate). In vitro functional studies have shown this variant leads to reduced proteolytic activity of ~24% compared with WT (PMID:12920079) (PS3). This variant has been reported in dbSNP (rs56264519) and has been reported in population databases (163/152110, 1 homozygote). This variant has been reported in ClinVar as Pathogenic by other clinical laboratories (Variation ID: 46102) and as damaging for nonsyndromic hearing loss in the disease database HGMD (CM116227).

Mayo Clinic Laboratories, Mayo Clinic
Classification: Pathogenic. Last evaluated: 2022-06-07. Review status: criteria provided, single submitter. Criteria: ACMG Guidelines, 2015. Collection method: clinical testing. Allele origin: germline. Observed: 1 variant allele.
Comment: PP1_strong, PM3_very_strong, PS3_moderate

Genetics and Genomic Medicine Centre, NeuroGen Healthcare, NeuroGen Healthcare
Classification: Likely pathogenic for Autosomal recessive nonsyndromic hearing loss 8. Last evaluated: 2022-03-05. Review status: criteria provided, single submitter. Criteria: Submitter's publication. Collection method: clinical testing. Allele origin: unknown. Affected: no.

INGEBI, INGEBI / CONICET
Classification: Pathogenic for Nonsyndromic genetic hearing loss. Last evaluated: 2021-07-15. Review status: criteria provided, single submitter. Criteria: ClinGen HL ACMG Specifications v1. Collection method: clinical testing. Allele origin: germline. Inheritance: Autosomal recessive inheritance. Affected: yes.
Comment: Based on ACMG/AMP guidelines and Hearing Loss Expert Panel specific criteria:The filtering allele frequency of c.1276G>A variant (p.A426T) in TMPRSS3 gene is 0.1% (187/129114 with 95% CI) in european non-finnish ethnic group obtanied from gnomAD population database, meeting BS1_Sup. This variant has been found in trans with 4 pathogenic/likely pathogenic variants in hearing impairment patients applying for PM3_VS (PMID: 21786053, 28566687, 29196752 and this report). There is one familial case with four sibling that showed high frequency hearing impairment with childhood onset and eight siblings with normal hearing. All the affected members had the A426T variant in trans with a pathogenic variant in TMPRSS3 gene while all the unaffected siblings carried only one variant or were wild type, applying to PP1_Strong (PMID: 21786053). A yeast based protease assay demonstrated that A426T mutatn possesed a significantly disminished protelotytic activity, PMID:12920079, PS3_Sup. Considering: BS1_Sup, PM3_VS, PP1_S and PS3_Sup, the c.1276G>A variant is classified as Pathogenic for autosomal recessive non-syndromic hearing loss.

Athena Diagnostics
Classification: Likely pathogenic. Last evaluated: 2020-08-07. Review status: criteria provided, single submitter. Criteria: Athena Diagnostics Criteria. Collection method: clinical testing. Allele origin: unknown.
Comment: The best available variant frequency is consistent with disease. Assessment of experimental evidence suggests this variant results in abnormal protein function. Strong co-segregation with disease in affected individuals from a single family.

Baylor Genetics
Classification: Pathogenic for Autosomal recessive nonsyndromic hearing loss 8. Last evaluated: 2019-11-25. Review status: criteria provided, single submitter. Criteria: ACMG Guidelines, 2015. Collection method: clinical testing. Allele origin: unknown. Affected: yes.
Comment: This variant was determined to be pathogenic according to ACMG Guidelines, 2015 [PMID:25741868].

Laboratory for Molecular Medicine, Mass General Brigham Personalized Medicine
Classification: Pathogenic for Rare genetic deafness. Last evaluated: 2018-11-12. Review status: criteria provided, single submitter. Criteria: LMM Criteria. Collection method: clinical testing. Allele origin: germline. Inheritance: Autosomal recessive inheritance. Observed: 15 variant alleles.
Comment: The p.Ala426Thr variant in TMPRSS3 has been reported in >10 individuals with hea ring loss, at least 4 of whom harbored a second pathogenic variant in TMPRSS3 (2 compound heterozygous occurences and 2 co-occurences with phase unknown; Watten hofer 2002, Weegerink 2011, Baux 2017, Lechowicz 2017, LMM data). Furthermore, t he p.Ala426Thr variant segregated with disease in 5 affected relatives from 2 fa milies (Weegerink 2011, LMM data). This variant has also been identified in 0.15 % (187/129114) of European chromosomes by the Genome Aggregation Database (gnomA D); however, this frequency is low enough to b e consistent with a recessive carrier frequency. In vitro functional studies sup port an impact on protein function (Lee 2003). Finally, this variant has been re ported as Likely Pathogenic in ClinVar (Variation ID 46102). In summary, the p.A la426Thr variant meets criteria to be classified as pathogenic for hearing loss in an autosomal recessive manner based upon biallelic case observations, segrega tion studies and functional evidence. ACMG/AMP Criteria applied: PM3_Strong, PP1 _Strong, PP3, PS3_Supporting.

Genetic Services Laboratory, University of Chicago
Classification: Likely pathogenic for Deafness, autosomal recessive 8. Last evaluated: 2017-03-22. Review status: criteria provided, single submitter. Criteria: ACMG Guidelines, 2015. Collection method: clinical testing. Allele origin: germline. Affected: yes.

Knight Diagnostic Laboratories, Oregon Health and Sciences University
Classification: Likely pathogenic for Deafness, autosomal recessive 8. Last evaluated: 2015-04-01. Review status: criteria provided, single submitter. Criteria: ACMG Guidelines, 2015. Collection method: clinical testing. Allele origin: germline. Inheritance: Autosomal recessive inheritance. Affected: no.

Eurofins Ntd Llc (ga)
Classification: Likely pathogenic. Last evaluated: 2015-03-31. Review status: criteria provided, single submitter. Criteria: EGL Classification Definitions 2015. Collection method: clinical testing. Allele origin: germline. Observed: 5 variant alleles, 5 heterozygotes.

Clinical Genetics Service, Universitary Hospital 12 de Octubre
Classification: Pathogenic for Autosomal recessive nonsyndromic hearing loss 8. Review status: criteria provided, single submitter. Criteria: ACMG Guidelines, 2015. Collection method: clinical testing. Allele origin: germline. Affected: yes.

Juno Genomics, Hangzhou Juno Genomics, Inc
Classification: Pathogenic for Autosomal recessive nonsyndromic hearing loss 8. Review status: criteria provided, single submitter. Criteria: ACMG Guidelines, 2015. Collection method: clinical testing. Allele origin: germline.
Comment: For recessive disorders, detected in trans with a pathogenic variant.;Co-segregation with disease in multiple affected family members.;Well-established in vitro or in vivo functional studies supportive of a damaging effect on the gene or gene product.

Laboratory of Molecular, Cellular and Translation Genetics in Otolaryngology/ Lim32-hcfmusp, University of Sao Paulo School of Medicine Clinics Hospital
Classification: Pathogenic for Autosomal recessive nonsyndromic hearing loss 8. Review status: criteria provided, single submitter. Criteria: ClinGen HL ACMG Specifications v1. Collection method: research. Allele origin: germline. Inheritance: Autosomal recessive inheritance. Affected: yes. Observed: 3 variant alleles, 3 compound heterozygotes. Clinical features observed: Postlingual sensorineural hearing impairment (HP:0008596). Segregation with disease observed.
Comment: in compound heterozygosis with the c.916G>A variant in three siblings with bilateral non-syndromic sensorineural postlingual progressive hearing loss; 7 normal hearing heterozygous of either variant, 2 normal hearing w/o variants (familial)

Neuberg Centre For Genomic Medicine, NCGM
Classification: Pathogenic for Autosomal recessive nonsyndromic hearing loss 8. Review status: criteria provided, single submitter. Criteria: ACMG Guidelines, 2015. Collection method: clinical testing. Allele origin: germline. Inheritance: Autosomal recessive inheritance. Affected: yes.
Comment: The observed missense c.1273G>A (p.Ala425Thr) variant in TMPRSS3 gene has been reported in compound heterozygous state in multiple individuals affected with hearing loss (Weegerink et al., 2011; Ołdak et al., 2019; Lechowicz et al., 2017; Lee et al., 2003). It has also been observed to segregate with disease in related individuals (Weegerink et al., 2011; Ołdak et al., 2019). Experimental studies have shown that this missense change affects TMPRSS3 function (Weegerink et al., 2011). For these reasons, this variant has been classified as Pathogenic. In absence of another reportable variant in TMPRSS3 gene, the molecular diagnosis is not confirmed